The following is an entry in ClinVar:

ClinVar aggregate classification (germline): Uncertain significance. Review status: criteria provided, multiple submitters, no conflicts (2 of 4 stars). 2 submissions from 2 submitters: Uncertain significance (2). Last evaluated 2022-07-06.

Allele frequency attached by ClinVar (database versions not stated): gnomAD exomes 0.00001.
gnomAD v4.1: 14 of 1,614,006 alleles (0.00087%); highest among the groups gnomAD compares: Middle Eastern, 0.016%; no homozygotes.

Submissions (2):

Blueprint Genetics
Classification: Uncertain significance. Last evaluated: 2022-07-06. Review status: criteria provided, single submitter. Criteria: ACMG Guidelines, 2015. Collection method: clinical testing. Allele origin: germline.

Labcorp Genetics (formerly Invitae), Labcorp
Classification: Uncertain significance. Last evaluated: 2022-05-10. Review status: criteria provided, single submitter. Criteria: Invitae Variant Classification Sherloc (09022015). Collection method: clinical testing. Allele origin: germline.
Comment: This sequence change replaces asparagine, which is neutral and polar, with serine, which is neutral and polar, at codon 611 of the CAD protein (p.Asn611Ser). This variant is present in population databases (no rsID available, gnomAD 0.0009%). This variant has not been reported in the literature in individuals affected with CAD-related conditions. Algorithms developed to predict the effect of missense changes on protein structure and function are either unavailable or do not agree on the potential impact of this missense change (SIFT: "Deleterious"; PolyPhen-2: "Probably Damaging"; Align-GVGD: "Class C0"). In summary, the available evidence is currently insufficient to determine the role of this variant in disease. Therefore, it has been classified as a Variant of Uncertain Significance.

NM_004341.5(CAD):c.1832A>G (p.Asn611Ser)

Gene: CAD (carbamoyl-phosphate synthetase 2, aspartate transcarbamylase, and dihydroorotase; plus strand). Cytogenetic location: 2p23.3.
Variant type: single nucleotide variant.
Coding change: c.1832A>G on transcript NM_004341.5 (MANE Select); coding-DNA position 1832, A replaced by G.
Protein change: p.Asn611Ser; replaces asparagine 611 with serine.
Molecular consequence: missense variant.
Genome position (GRCh38, 1-based): chr2:27,225,916, A>G. VCF-style: chr2-27225916-A-G. GRCh37 (hg19) VCF-style: chr2-27448784-A-G.
Other names: c.1832A>G, p.Asn611Ser (NM_001306079.2); short protein forms N611S.
Identifiers: ClinVar variation 2012017 (VCV002012017.2), dbSNP rs1255118883, ClinGen allele CA346206391.